The following is an entry in ClinVar:

NM_001130823.3(DNMT1):c.4799T>G (p.Leu1600Arg)

Gene: DNMT1 (DNA methyltransferase 1; minus strand). Cytogenetic location: 19p13.2.
Variant type: single nucleotide variant.
Coding change: c.4799T>G on transcript NM_001130823.3 (MANE Select); coding-DNA position 4799, T replaced by G.
Protein change: p.Leu1600Arg; replaces leucine 1600 with arginine.
Molecular consequence: missense variant.
Genome position (GRCh38, 1-based): chr19:10,134,282, A>C on the plus strand (T>G on the coding strand, the complement: DNMT1 is on the minus strand). VCF-style: chr19-10134282-A-C. GRCh37 (hg19) VCF-style: chr19-10244958-A-C.
Other names: c.4760T>G, p.Leu1587Arg (NM_001318730.2); c.4436T>G, p.Leu1479Arg (NM_001318731.2); c.4751T>G, p.Leu1584Arg (NM_001379.4); short protein forms L1600R, L1587R, L1479R, L1584R.
Identifiers: ClinVar variation 2129881 (VCV002129881.4), dbSNP rs2513760716, ClinGen allele CA403967436.

ClinVar aggregate classification (germline): Uncertain significance (1 of 4 stars; one submission).

Conditions:
Hereditary sensory neuropathy-deafness-dementia syndrome. Also called: NEUROPATHY, HEREDITARY SENSORY, WITH HEARING LOSS AND DEMENTIA; Hereditary Sensory and Autonomic Neuropathy Type 1E (HSAN1E); HSN IE; Hereditary sensory neuropathy type IE. Identifiers: Orphanet 456318, MedGen C3279885, MONDO:0013584, OMIM 614116.

Submission:

Labcorp Genetics (formerly Invitae), Labcorp
Classification: Uncertain significance for Hereditary sensory neuropathy-deafness-dementia syndrome. Last evaluated: 2022-04-24. Review status: criteria provided, single submitter. Criteria: Invitae Variant Classification Sherloc (09022015). Collection method: clinical testing. Allele origin: germline.
Comment: In summary, the available evidence is currently insufficient to determine the role of this variant in disease. Therefore, it has been classified as a Variant of Uncertain Significance. Algorithms developed to predict the effect of missense changes on protein structure and function are either unavailable or do not agree on the potential impact of this missense change (SIFT: "Deleterious"; PolyPhen-2: "Probably Damaging"; Align-GVGD: "Class C0"). This variant has not been reported in the literature in individuals affected with DNMT1-related conditions. This variant is not present in population databases (gnomAD no frequency). This sequence change replaces leucine, which is neutral and non-polar, with arginine, which is basic and polar, at codon 1600 of the DNMT1 protein (p.Leu1600Arg).